The following is an entry in ClinVar:

NM_005555.4(KRT6B):c.1321C>G (p.Leu441Val)

Gene: KRT6B (keratin 6B; minus strand). Cytogenetic location: 12q13.13.
Variant type: single nucleotide variant.
Coding change: c.1321C>G on transcript NM_005555.4 (MANE Select); coding-DNA position 1321, C replaced by G.
Protein change: p.Leu441Val; replaces leucine 441 with valine.
Molecular consequence: missense variant.
Genome position (GRCh38, 1-based): chr12:52,447,881, G>C on the plus strand (C>G on the coding strand, the complement: KRT6B is on the minus strand). VCF-style: chr12-52447881-G-C. GRCh37 (hg19) VCF-style: chr12-52841665-G-C.
Other names: short protein forms L441V.
Identifiers: ClinVar variation 2343562 (VCV002343562.26), dbSNP rs137872925, ClinGen allele CA6580447.

ClinVar aggregate classification (germline): Conflicting classifications of pathogenicity. Review status: criteria provided, conflicting classifications (1 of 4 stars). 2 submissions from 2 submitters: Uncertain significance (1); Benign (1). Last evaluated 2022-09-01.

Conditions:
Inborn genetic diseases. Identifiers: MedGen C0950123, MeSH D030342.

Allele frequency attached by ClinVar (database versions not stated): ExAC 0.00002; gnomAD exomes 0.00004; ESP Exome Variant Server 0.00008; TOPMed 0.00024; gnomAD 0.00027.
gnomAD v4.1: 99 of 1,614,046 alleles (0.0061%); highest among the groups gnomAD compares: Admixed American, 0.14%; no homozygotes.

Submissions (2):

CeGaT Center for Human Genetics Tuebingen
Classification: Benign. Last evaluated: 2022-09-01. Review status: criteria provided, single submitter. Criteria: CeGaT Center For Human Genetics Tuebingen Variant Classification Criteria Version 2. Collection method: clinical testing. Allele origin: germline. Affected: yes. Observed: 1 variant allele.
Comment: KRT6B: BS1, BS2

Ambry Genetics
Classification: Uncertain significance for Inborn genetic diseases. Last evaluated: 2022-04-07. Review status: criteria provided, single submitter. Criteria: Ambry Variant Classification Scheme 2023. Collection method: clinical testing. Allele origin: germline.